The following is an entry in ClinVar:

ClinVar aggregate classification (germline): Likely benign (1 of 4 stars; one submission).

Conditions:
KANK2-related disorder. Also called: KANK2-related condition.

gnomAD v4.1: 17 of 1,612,658 alleles (0.0011%); highest among the groups gnomAD compares: Admixed American, 0.01%; no homozygotes.

Submission:

PreventionGenetics, part of Exact Sciences
Classification: Likely benign for KANK2-related condition. Last evaluated: 2026-09-08. Review status: criteria provided, single submitter. Criteria: ACMG Guidelines, 2015. Collection method: clinical testing. Allele origin: germline.
Comment: This variant is classified as likely benign based on ACMG/AMP sequence variant interpretation guidelines (Richards et al. 2015 PMID: 25741868, with internal and published modifications).

NM_001136191.3(KANK2):c.2322G>A (p.Thr774=)

Gene: KANK2 (KN motif and ankyrin repeat domains 2; minus strand). Cytogenetic location: 19p13.2.
Variant type: single nucleotide variant.
Coding change: c.2322G>A on transcript NM_001136191.3 (MANE Select); coding-DNA position 2322, G replaced by A.
Protein change: p.Thr774=; no amino-acid change (threonine 774 retained).
Molecular consequence: synonymous variant.
Genome position (GRCh38, 1-based): chr19:11,170,138, C>T on the plus strand (G>A on the coding strand, the complement: KANK2 is on the minus strand). VCF-style: chr19-11170138-C-T. GRCh37 (hg19) VCF-style: chr19-11280814-C-T.
Other names: c.2322G>A, p.Thr774= (NM_001329451.2, NM_001379555.1, NM_001379556.1 and 7 more transcripts); c.2346G>A, p.Thr782= (NM_001379548.1, NM_001379549.1, NM_001379550.1 and 5 more transcripts).
Identifiers: ClinVar variation 4978774 (VCV004978774.1).